The following is an entry in ClinVar:

ClinVar aggregate classification (germline): Uncertain significance (1 of 4 stars; one submission).

Conditions:
Progressive sclerosing poliodystrophy (MTDPS4A). Also called: Mitochondrial DNA Depletion Syndrome 4A; Alpers-Huttenlocher Syndrome (AHS); ALPERS PROGRESSIVE INFANTILE POLIODYSTROPHY; NEURONAL DEGENERATION OF CHILDHOOD WITH LIVER DISEASE, PROGRESSIVE; Mitochondrial DNA depletion syndrome 4A (Alpers type); Alpers Syndrome. Identifiers: Orphanet 726, MedGen C0205710, MONDO:0008758, OMIM 203700.

Submission:

Labcorp Genetics (formerly Invitae), Labcorp
Classification: Uncertain significance for Progressive sclerosing poliodystrophy. Last evaluated: 2022-03-31. Review status: criteria provided, single submitter. Criteria: Invitae Variant Classification Sherloc (09022015). Collection method: clinical testing. Allele origin: germline.
Comment: In summary, the available evidence is currently insufficient to determine the role of this variant in disease. Therefore, it has been classified as a Variant of Uncertain Significance. Algorithms developed to predict the effect of missense changes on protein structure and function are either unavailable or do not agree on the potential impact of this missense change (SIFT: "Tolerated"; PolyPhen-2: "Probably Damaging"; Align-GVGD: "Class C0"). This variant has not been reported in the literature in individuals affected with POLG-related conditions. This variant is not present in population databases (gnomAD no frequency). This sequence change replaces glutamine, which is neutral and polar, with lysine, which is basic and polar, at codon 968 of the POLG protein (p.Gln968Lys).

NM_002693.3(POLG):c.2902C>A (p.Gln968Lys)

Gene: POLG (DNA polymerase gamma, catalytic subunit; minus strand). Cytogenetic location: 15q26.1.
Variant type: single nucleotide variant.
Coding change: c.2902C>A on transcript NM_002693.3 (MANE Select); coding-DNA position 2902, C replaced by A.
Protein change: p.Gln968Lys; replaces glutamine 968 with lysine.
Molecular consequence: missense variant.
Genome position (GRCh38, 1-based): chr15:89,320,845, G>T on the plus strand (C>A on the coding strand, the complement: POLG is on the minus strand). VCF-style: chr15-89320845-G-T. GRCh37 (hg19) VCF-style: chr15-89864076-G-T.
Other names: c.2902C>A, p.Gln968Lys (NM_001126131.2); short protein forms Q968K.
Identifiers: ClinVar variation 2119793 (VCV002119793.4), dbSNP rs2509216866, ClinGen allele CA393752475.